The following is an entry in ClinVar:

ClinVar aggregate classification (germline): Uncertain significance. Review status: criteria provided, multiple submitters, no conflicts (2 of 4 stars). 2 submissions from 2 submitters: Uncertain significance (2). Last evaluated 2023-03-07.

Conditions:
Hypertrophic cardiomyopathy 14. Identifiers: MedGen C2750467, MONDO:0013197, OMIM 613251.
Cardiovascular phenotype. Identifiers: MedGen CN230736.

Allele frequency attached by ClinVar (database versions not stated): TOPMed below 0.00001; gnomAD 0.00001; 1000 Genomes Project 30x 0.00031.
gnomAD v4.1: 2 of 1,613,634 alleles (0.00012%); highest among the groups gnomAD compares: African/African-American, 0.0027%; no homozygotes.

Submissions (2):

Labcorp Genetics (formerly Invitae), Labcorp
Classification: Uncertain significance for Hypertrophic cardiomyopathy 14. Last evaluated: 2023-03-07. Review status: criteria provided, single submitter. Criteria: Invitae Variant Classification Sherloc (09022015). Collection method: clinical testing. Allele origin: germline.
Comment: This sequence change replaces serine, which is neutral and polar, with cysteine, which is neutral and slightly polar, at codon 323 of the MYH6 protein (p.Ser323Cys). This variant is not present in population databases (gnomAD no frequency). This variant has not been reported in the literature in individuals affected with MYH6-related conditions. ClinVar contains an entry for this variant (Variation ID: 1767790). Advanced modeling of protein sequence and biophysical properties (such as structural, functional, and spatial information, amino acid conservation, physicochemical variation, residue mobility, and thermodynamic stability) performed at Invitae indicates that this missense variant is not expected to disrupt MYH6 protein function. In summary, the available evidence is currently insufficient to determine the role of this variant in disease. Therefore, it has been classified as a Variant of Uncertain Significance.

Ambry Genetics
Classification: Uncertain significance for Cardiovascular phenotype. Last evaluated: 2021-06-15. Review status: criteria provided, single submitter. Criteria: Ambry Variant Classification Scheme 2023. Collection method: clinical testing. Allele origin: germline.
Comment: The p.S323C variant (also known as c.968C>G), located in coding exon 9 of the MYH6 gene, results from a C to G substitution at nucleotide position 968. The serine at codon 323 is replaced by cysteine, an amino acid with dissimilar properties. This amino acid position is highly conserved in available vertebrate species. In addition, the in silico prediction for this alteration is inconclusive. Since supporting evidence is limited at this time, the clinical significance of this alteration remains unclear.

NM_002471.4(MYH6):c.968C>G (p.Ser323Cys)

Gene: MYH6 (myosin heavy chain 6; minus strand). Cytogenetic location: 14q11.2.
Variant type: single nucleotide variant.
Coding change: c.968C>G on transcript NM_002471.4 (MANE Select); coding-DNA position 968, C replaced by G.
Protein change: p.Ser323Cys; replaces serine 323 with cysteine.
Molecular consequence: missense variant.
Genome position (GRCh38, 1-based): chr14:23,402,731, G>C on the plus strand (C>G on the coding strand, the complement: MYH6 is on the minus strand). VCF-style: chr14-23402731-G-C. GRCh37 (hg19) VCF-style: chr14-23871940-G-C.
Other names: short protein forms S323C.
Identifiers: ClinVar variation 1767790 (VCV001767790.5), dbSNP rs1244112716, ClinGen allele CA389026936.